The following is an entry in ClinVar:

NM_003108.4(SOX11):c.586G>A (p.Asp196Asn)

Gene: SOX11 (SRY-box transcription factor 11; plus strand). Cytogenetic location: 2p25.2.
Variant type: single nucleotide variant.
Coding change: c.586G>A on transcript NM_003108.4 (MANE Select); coding-DNA position 586, G replaced by A.
Protein change: p.Asp196Asn; replaces aspartic acid 196 with asparagine.
Molecular consequence: missense variant.
Genome position (GRCh38, 1-based): chr2:5,693,307, G>A. VCF-style: chr2-5693307-G-A. GRCh37 (hg19) VCF-style: chr2-5833439-G-A.
Other names: short protein forms D196N.
Identifiers: ClinVar variation 1690866 (VCV001690866.2), dbSNP rs776676775, ClinGen allele CA1517858.
Genomic context (GRCh38, chr2:5,693,307, plus strand): 5'-GCGGGCGCCAAGGCGGGCGCGGGCAAGGCGGCCCAGTCCGGGGACTACGGGGGCGCGGGC[G>A]ACGACTACGTGCTGGGCAGCCTGCGCGTGAGCGGCTCGGGCGGCGGCGGCGCGGGCAAGA-3'
Protein context (NP_003099.1, residues 186-206): AQSGDYGGAG[Asp196Asn]DYVLGSLRVS

ClinVar aggregate classification (germline): Uncertain significance (1 of 4 stars; one submission).

Allele frequency attached by ClinVar (database versions not stated): ExAC 0.00003.
gnomAD v4.1: 5 of 1,559,512 alleles (0.00032%); highest among the groups gnomAD compares: South Asian, 0.0023%; no homozygotes.

Submission:

Laboratorio de Genetica e Diagnostico Molecular, Hospital Israelita Albert Einstein
Classification: Uncertain significance. Last evaluated: 2020-04-23. Review status: criteria provided, single submitter. Criteria: ACMG Guidelines, 2015. Collection method: clinical testing. Allele origin: germline. Affected: yes.
Comment: ACMG classification criteria: PM2, BP4